The following is an entry in ClinVar:

NM_002397.5(MEF2C):c.541A>T (p.Ser181Cys)

Gene: MEF2C (myocyte enhancer factor 2C; minus strand). Cytogenetic location: 5q14.3.
Variant type: single nucleotide variant.
Coding change: c.541A>T on transcript NM_002397.5 (MANE Select); coding-DNA position 541, A replaced by T.
Protein change: p.Ser181Cys; replaces serine 181 with cysteine.
Molecular consequence: missense variant.
Genome position (GRCh38, 1-based): chr5:88,751,905, T>A on the plus strand (A>T on the coding strand, the complement: MEF2C is on the minus strand). VCF-style: chr5-88751905-T-A. GRCh37 (hg19) VCF-style: chr5-88047722-T-A.
Other names: c.541A>T, p.Ser181Cys (NM_001308002.3, NM_001363581.2, NM_001364329.2 and 18 more transcripts); c.397A>T, p.Ser133Cys (NM_001364332.2, NM_001364354.2, NM_001364355.2 and 3 more transcripts); c.535A>T, p.Ser179Cys (NM_001364352.2, NM_001131005.2, NM_001364343.2); c.163A>T, p.Ser55Cys (NM_001364353.2, NM_001364356.2); c.595A>T, p.Ser199Cys (NM_001193347.1, NM_001364338.2); c.115A>T, p.Ser39Cys (NM_001364357.2); short protein forms S179C, S181C, S133C, S55C, S199C, S39C.
Identifiers: ClinVar variation 3712694 (VCV003712694.2).
Genomic context (GRCh38, chr5:88,751,905, plus strand): 5'-ATGAGGACATACCTGTGTTACCTGCACTTGGAGGTCGATGTGTTACACCAGGAGACATAC[T>A]ATTCCTCTGCAGAGAAGGGTGAGCCAGTGGCAATAGGTTGGGGTTTCCCAGTGAGCTGAC-3'
Protein context (NP_002388.2, residues 171-191): PLAHPSLQRN[Ser181Cys]MSPGVTHRPP

ClinVar aggregate classification (germline): Uncertain significance (1 of 4 stars; one submission).

Conditions:
Neurodevelopmental disorder with hypotonia, stereotypic hand movements, and impaired language. Also called: Intellectual disability, autosomal dominant 20. Identifiers: Orphanet 228384, Orphanet 664410, MedGen C3150700, MONDO:0013266, OMIM 613443.

gnomAD v4.1: 1 of 1,614,012 alleles (0.000062%); highest among the groups gnomAD compares: Non-Finnish European, 0.000085%; no homozygotes.

Submission:

Labcorp Genetics (formerly Invitae), Labcorp
Classification: Uncertain significance for Neurodevelopmental disorder with hypotonia, stereotypic hand movements, and impaired language. Last evaluated: 2024-09-29. Review status: criteria provided, single submitter. Criteria: Invitae Variant Classification Sherloc (09022015). Collection method: clinical testing. Allele origin: germline.
Comment: This sequence change replaces serine, which is neutral and polar, with cysteine, which is neutral and slightly polar, at codon 181 of the MEF2C protein (p.Ser181Cys). This variant is not present in population databases (gnomAD no frequency). This variant has not been reported in the literature in individuals affected with MEF2C-related conditions. Invitae Evidence Modeling of protein sequence and biophysical properties (such as structural, functional, and spatial information, amino acid conservation, physicochemical variation, residue mobility, and thermodynamic stability) has been performed for this missense variant. However, the output from this modeling did not meet the statistical confidence thresholds required to predict the impact of this variant on MEF2C protein function. In summary, the available evidence is currently insufficient to determine the role of this variant in disease. Therefore, it has been classified as a Variant of Uncertain Significance.